The following is an entry in ClinVar:

ClinVar aggregate classification (germline): Benign. Review status: reviewed by expert panel (3 of 4 stars). 38 submissions from 37 submitters: Benign (1). 37 of the submissions do not count toward it. Last evaluated 2015-08-10.

Conditions:
BRCA1-related cancer predisposition. Identifiers: MedGen CN377757, MONDO:0700268.
Breast-ovarian cancer, familial, susceptibility to, 1 (BROVCA1). Also called: BRCA1 Hereditary Breast and Ovarian Cancer; OVARIAN CANCER, SUSCEPTIBILITY TO. Identifiers: Orphanet 145, MedGen C2676676, MONDO:0011450, OMIM 604370. Disease mechanism: loss of function.
Pancreatic cancer, susceptibility to, 4. Identifiers: Orphanet 1333, MedGen C3280442, MONDO:0013685, OMIM 614320.
Familial cancer of breast. Also called: Hereditary breast cancer; BREAST CANCER, FAMILIAL; hereditary breast carcinoma. Identifiers: Orphanet 227535, MedGen C0346153, MONDO:0016419, OMIM 114480. Disease mechanism: loss of function.
Fanconi anemia, complementation group S (FANCS). Identifiers: MedGen C4554406, MONDO:0054748, OMIM 617883.
Hereditary cancer-predisposing syndrome. Also called: Tumor predisposition; Neoplastic Syndromes, Hereditary; Hereditary Cancer Syndrome; Hereditary neoplastic syndrome. Identifiers: Orphanet 140162, MedGen C0027672, MeSH D009386, MONDO:0015356.
Breast and/or ovarian cancer. Identifiers: MedGen CN221562.
Hereditary breast ovarian cancer syndrome. Also called: Hereditary breast and ovarian cancer syndrome; Hereditary breast and ovarian cancer; Hereditary breast and ovarian cancer syndrome (HBOC); Hereditary breast and/or ovarian cancer syndrome; Breast and ovarian cancer; BRCA1- and BRCA2-Associated Hereditary Breast and Ovarian Cancer. Identifiers: Orphanet 145, MedGen C0677776, MeSH D061325, MONDO:0003582. Disease mechanism: loss of function.
Malignant tumor of breast. Also called: Cancer breast; Malignant breast neoplasm. Identifiers: MedGen C0006142, MONDO:0007254. Disease mechanism: loss of function.

Allele frequency attached by ClinVar (database versions not stated): gnomAD 0.00026 and 0.00027; TOPMed 0.00028; 1000 Genomes Project 30x 0.00031; 1000 Genomes Project 0.00020; ExAC 0.00022; ESP Exome Variant Server 0.00023; gnomAD exomes 0.00031.
gnomAD v4.1: 1,141 of 1,613,334 alleles (0.071%); highest among the groups gnomAD compares: Non-Finnish European, 0.093%; no homozygotes.

Submissions 1 to 16 of 38:

Evidence-based Network for the Interpretation of Germline Mutant Alleles (ENIGMA)
Classification: Benign for Breast-ovarian cancer, familial 1. Last evaluated: 2015-08-10. Review status: reviewed by expert panel. Criteria: ENIGMA BRCA1/2 Classification Criteria (2015). Collection method: curation. Allele origin: germline.
Comment: IARC class based on posterior probability from multifactorial likelihood analysis, thresholds for class as per Plon et al. 2008 (PMID: 18951446). Class 1 based on posterior probability = 0.000000531

Labcorp Genetics (formerly Invitae), Labcorp
Classification: Benign for Hereditary breast ovarian cancer syndrome. Last evaluated: 2026-02-04. Review status: criteria provided, single submitter. Criteria: Invitae Variant Classification Sherloc (09022015). Collection method: clinical testing. Allele origin: germline. Not counted in ClinVar's aggregate classification.

Dasa
Classification: Benign for Breast-ovarian cancer, familial, susceptibility to, 1. Last evaluated: 2026-01-20. Review status: criteria provided, single submitter. Criteria: DASA Assertion Criteria. Collection method: clinical testing. Allele origin: germline. Not counted in ClinVar's aggregate classification.
Comment: NM_007294.4(BRCA1):c.736T>G (p.Leu246Val) is a missense variant that results in the substitution of leucine with valine. Functional evidence is consistent with no deleterious impact on the gene or gene product. Therefore, based on the currently available evidence, this variant is classified as benign.

Center for Genomic Medicine, Rigshospitalet, Copenhagen University Hospital
Classification: Benign. Last evaluated: 2025-03-04. Review status: criteria provided, single submitter. Criteria: ACMG Guidelines, 2015. Collection method: clinical testing. Allele origin: germline. Not counted in ClinVar's aggregate classification.

Laboratory of Genetics, Children's Clinical University Hospital Latvia
Classification: Likely benign. Last evaluated: 2025-02-16. Review status: criteria provided, single submitter. Criteria: ACMG Guidelines, 2015. Collection method: clinical testing. Allele origin: germline. Affected: yes. Not counted in ClinVar's aggregate classification.

ARUP Laboratories, Molecular Genetics and Genomics, ARUP Laboratories
Classification: Benign. Last evaluated: 2025-01-14. Review status: criteria provided, single submitter. Criteria: ARUP Molecular Germline Variant Investigation Process 2024. Collection method: clinical testing. Allele origin: germline. Not counted in ClinVar's aggregate classification.

Blueprint Genetics
Classification: Likely benign. Last evaluated: 2024-10-16. Review status: criteria provided, single submitter. Criteria: ACMG Guidelines, 2015. Collection method: clinical testing. Allele origin: germline. Not counted in ClinVar's aggregate classification.

All of Us Research Program, National Institutes of Health
Classification: Benign for BRCA1-related cancer predisposition. Last evaluated: 2024-09-23. Review status: criteria provided, single submitter. Criteria: ACMG Guidelines, 2015. Collection method: clinical testing. Allele origin: germline. Inheritance: Autosomal dominant inheritance. Observed: 111 variant alleles, 111 heterozygotes. Not counted in ClinVar's aggregate classification.
Comment: This study involves interpretation of variants in research participants for the purpose of population health screening. Participant phenotype was not available at the time of variant classification. Additional details can be found in publication PMID: 35346344, PMCID: PMC8962531

CeGaT Center for Human Genetics Tuebingen
Classification: Likely benign. Last evaluated: 2023-07-01. Review status: criteria provided, single submitter. Criteria: CeGaT Center For Human Genetics Tuebingen Variant Classification Criteria Version 2. Collection method: clinical testing. Allele origin: germline. Affected: yes. Observed: 4 variant alleles. Not counted in ClinVar's aggregate classification.
Comment: BRCA1: BP1, BS3:Supporting

CHEO Genetics Diagnostic Laboratory, Children's Hospital of Eastern Ontario
Classification: Likely benign for Breast and/or ovarian cancer. Last evaluated: 2022-11-15. Review status: criteria provided, single submitter. Criteria: ACMG Guidelines, 2015. Collection method: clinical testing. Allele origin: germline. Not counted in ClinVar's aggregate classification.

Fulgent Genetics
Classification: Likely benign for Familial cancer of breast; Breast-ovarian cancer, familial, susceptibility to, 1; Pancreatic cancer, susceptibility to, 4; Fanconi anemia, complementation group S. Last evaluated: 2022-03-22. Review status: criteria provided, single submitter. Criteria: ACMG Guidelines, 2015. Collection method: clinical testing. Allele origin: unknown. Not counted in ClinVar's aggregate classification.

Sema4
Classification: Likely benign for Hereditary cancer-predisposing syndrome. Last evaluated: 2021-03-15. Review status: criteria provided, single submitter. Criteria: Sema4 Curation Guidelines. Collection method: curation. Allele origin: germline. Not counted in ClinVar's aggregate classification.

Mendelics
Classification: Benign for Breast-ovarian cancer, familial, susceptibility to, 1. Last evaluated: 2019-05-28. Review status: criteria provided, single submitter. Criteria: Mendelics Assertion Criteria 2017. Collection method: clinical testing. Allele origin: unknown. Not counted in ClinVar's aggregate classification.

GeneDx
Classification: Benign. Last evaluated: 2018-11-12. Review status: criteria provided, single submitter. Criteria: GeneDx Variant Classification Process June 2021. Collection method: clinical testing. Allele origin: germline. Affected: yes. Not counted in ClinVar's aggregate classification.
Comment: This variant is associated with the following publications: (PMID: 27153395, 22703879, 24055113, 19200354, 23867111, 21520273, 25637381, 21990134, 25782689, 15235020, 16014699, 21965345, 15307796, 15300854, 25823446, 26246475, 26332594, 33087888)

Illumina Laboratory Services, Illumina
Classification: Uncertain significance for Breast-ovarian cancer, familial, susceptibility to, 1. Last evaluated: 2017-04-27. Review status: criteria provided, single submitter. Criteria: ICSL Variant Classification Criteria 13 December 2019. Collection method: clinical testing. Allele origin: germline. Not counted in ClinVar's aggregate classification.
Comment: This variant was observed as part of a predisposition screen in an ostensibly healthy population. A literature search was performed for the gene, cDNA change, and amino acid change (where applicable). Publications were found based on this search. However, the evidence from the literature, in combination with allele frequency data from public databases where available, was not sufficient to rule this variant in or out of causing disease. Therefore, this variant is classified as a variant of unknown significance.

Laboratory for Molecular Medicine, Mass General Brigham Personalized Medicine
Classification: Uncertain significance. Last evaluated: 2017-01-24. Review status: criteria provided, single submitter. Criteria: LMM Criteria. Collection method: clinical testing. Allele origin: germline. Not counted in ClinVar's aggregate classification.
Comment: Variant identified in a genome or exome case(s) and assessed due to predicted null impact of the variant or pathogenic assertions in the literature or databases. Disclaimer: This variant has not undergone full assessment. The following are preliminary notes: This variant has been reported in HGMD in 1 individual, showing that it leads to loss of expression of BRCA1. This variant is present in ExAC with a Max MAF of 0.04% (25/65600 chrs). It is classified in ClinVar with 3 stars as benign by 5 submitters (including expert panel ENIGMA), Likely benign by 3 submitters, and VUS by 3 submitters.

NM_007294.4(BRCA1):c.736T>G (p.Leu246Val)

Gene: BRCA1 (BRCA1 DNA repair associated; minus strand). Cytogenetic location: 17q21.31.
Variant type: single nucleotide variant.
Coding change: c.736T>G on transcript NM_007294.4 (MANE Select); coding-DNA position 736, T replaced by G.
Protein change: p.Leu246Val; replaces leucine 246 with valine.
Molecular consequence: missense variant. On other transcripts: non-coding transcript variant (1).
Genome position (GRCh38, 1-based): chr17:43,094,795, A>C on the plus strand (T>G on the coding strand, the complement: BRCA1 is on the minus strand). VCF-style: chr17-43094795-A-C. GRCh37 (hg19) VCF-style: chr17-41246812-A-C.
Other names: p.L246V:TTG>GTG; 855T>G; c.535T>G, p.Leu179Val (NM_001408474.1, NM_001408476.1, NM_001407862.1); c.532T>G, p.Leu178Val (NM_001408475.1, NM_001407874.1, NM_001407875.1); c.526T>G, p.Leu176Val (NM_001408478.1, NM_001408479.1, NM_001408480.1 and 25 more transcripts); c.523T>G, p.Leu175Val (NM_001408490.1, NM_001408491.1, NM_001408493.1 and 12 more transcripts); c.472T>G, p.Leu158Val (NM_001408496.1, NM_001408497.1, NM_001408498.1 and 15 more transcripts); c.403T>G, p.Leu135Val (NM_001408502.1, NM_001407946.1, NM_001407947.1 and 7 more transcripts); and 16 more; short protein forms L246V, L199V, L118V, L119V, L134V, L219V, L243V, L176V.
Identifiers: ClinVar variation 41835 (VCV000041835.124), dbSNP rs28897675, ClinGen allele CA003842.